The following is an entry in ClinVar:

ClinVar aggregate classification (germline): Likely benign (1 of 4 stars; one submission).

gnomAD v4.1: 8 of 1,613,812 alleles (0.0005%); highest among the groups gnomAD compares: Non-Finnish European, 0.00059%; no homozygotes.

Submission:

GeneDx
Classification: Likely benign. Last evaluated: 2017-12-15. Review status: criteria provided, single submitter. Criteria: GeneDx Variant Classification (06012015). Collection method: clinical testing. Allele origin: germline. Affected: yes.
Comment: This variant is considered likely benign or benign based on one or more of the following criteria: it is a conservative change, it occurs at a poorly conserved position in the protein, it is predicted to be benign by multiple in silico algorithms, and/or has population frequency not consistent with disease.

NM_005431.2(XRCC2):c.-6G>A

Gene: XRCC2 (X-ray repair cross complementing 2; minus strand). Cytogenetic location: 7q36.1.
Variant type: single nucleotide variant.
Coding change: c.-6G>A on transcript NM_005431.2 (MANE Select); 6 bases upstream of the start codon, G replaced by A.
Molecular consequence: 5 prime UTR variant.
Genome position (GRCh38, 1-based): chr7:152,676,085, C>T on the plus strand (G>A on the coding strand, the complement: XRCC2 is on the minus strand). VCF-style: chr7-152676085-C-T. GRCh37 (hg19) VCF-style: chr7-152373170-C-T.
Identifiers: ClinVar variation 514245 (VCV000514245.1), dbSNP rs773861668, ClinGen allele CA658797063.
Genomic context (GRCh38, chr7:152,676,085, plus strand): 5'-ACCCGGCGGCTCTCACCTCGGTCCCAGACTCAGCCCTATGGAAGGCACTACACATCGCCC[C>T]GAAGGCTCGGCGCAGGAGAGACTCAACTTTCCCGCCACCAACGCCATTCACCAACTGCGC-3'